The following is an entry in ClinVar:

NM_001103.4(ACTN2):c.2674A>G (p.Ser892Gly)

Gene: ACTN2 (actinin alpha 2; plus strand). Cytogenetic location: 1q43.
Variant type: single nucleotide variant.
Coding change: c.2674A>G on transcript NM_001103.4 (MANE Select); coding-DNA position 2674, A replaced by G.
Protein change: p.Ser892Gly; replaces serine 892 with glycine.
Molecular consequence: missense variant.
Genome position (GRCh38, 1-based): chr1:236,762,608, A>G. VCF-style: chr1-236762608-A-G. GRCh37 (hg19) VCF-style: chr1-236925908-A-G.
Other names: c.2674A>G, p.Ser892Gly (NM_001278343.2); c.2050A>G, p.Ser684Gly (NM_001278344.2); c.1924A>G, p.Ser642Gly (NM_001412150.1); short protein forms S684G, S892G, S642G.
Identifiers: ClinVar variation 2013158 (VCV002013158.4), dbSNP rs2527670452, ClinGen allele CA345392710.
Genomic context (GRCh38, chr1:236,762,608, plus strand): 5'-CCAGGCAGTGTGCCTGGTGCACTGGATTACGCTGCGTTCTCTTCCGCACTCTACGGGGAG[A>G]GCGATCTGTGATGCTGAGCTTCTGTAATCACTCATCCCATCAGAATGCAATAAAAGCGGA-3'
Protein context (NP_001094.1, residues 882-894): AAFSSALYGE[Ser892Gly]DL

ClinVar aggregate classification (germline): Uncertain significance (1 of 4 stars; one submission).

Conditions:
Dilated cardiomyopathy 1AA (CMD1AA). Also called: CARDIOMYOPATHY, DILATED, 1AA, WITH OR WITHOUT LEFT VENTRICULAR NONCOMPACTION; CARDIOMYOPATHY, FAMILIAL HYPERTROPHIC, 23, WITH OR WITHOUT LEFT VENTRICULAR NONCOMPACTION; Cardiomyopathy, dilated, 1AA, with or without LVNC. Identifiers: Orphanet 154, MedGen C2677338, MONDO:0012808, OMIM 612158.
Primary familial hypertrophic cardiomyopathy (HCM). Identifiers: Orphanet 99739, MedGen C0949658, MeSH D024741, MONDO:0024573. Inheritance: Various modes of inheritance.

Submission:

Labcorp Genetics (formerly Invitae), Labcorp
Classification: Uncertain significance for Primary familial hypertrophic cardiomyopathy; Dilated cardiomyopathy 1AA. Last evaluated: 2022-09-14. Review status: criteria provided, single submitter. Criteria: Invitae Variant Classification Sherloc (09022015). Collection method: clinical testing. Allele origin: germline.
Comment: Algorithms developed to predict the effect of missense changes on protein structure and function (SIFT, PolyPhen-2, Align-GVGD) all suggest that this variant is likely to be disruptive. This sequence change replaces serine, which is neutral and polar, with glycine, which is neutral and non-polar, at codon 892 of the ACTN2 protein (p.Ser892Gly). This variant is not present in population databases (gnomAD no frequency). This variant has not been reported in the literature in individuals affected with ACTN2-related conditions. In summary, the available evidence is currently insufficient to determine the role of this variant in disease. Therefore, it has been classified as a Variant of Uncertain Significance.